The following is an entry in ClinVar:

ClinVar aggregate classification (germline): Benign/Likely benign. Review status: criteria provided, multiple submitters, no conflicts (2 of 4 stars). 4 submissions from 4 submitters: Benign (2); Likely benign (1). 1 of the submissions does not count toward it. Last evaluated 2026-02-02.

Conditions:
ZSWIM6-related disorder. Also called: ZSWIM6-related condition.

Submissions (4):

Labcorp Genetics (formerly Invitae), Labcorp
Classification: Benign. Last evaluated: 2026-02-02. Review status: criteria provided, single submitter. Criteria: Invitae Variant Classification Sherloc (09022015). Collection method: clinical testing. Allele origin: germline.

Blueprint Genetics
Classification: Likely benign. Last evaluated: 2024-11-26. Review status: criteria provided, single submitter. Criteria: ACMG Guidelines, 2015. Collection method: clinical testing. Allele origin: germline.

GeneDx
Classification: Benign. Last evaluated: 2021-03-19. Review status: criteria provided, single submitter. Criteria: GeneDx Variant Classification Process June 2021. Collection method: clinical testing. Allele origin: germline. Affected: yes.

PreventionGenetics, part of Exact Sciences
Classification: Benign for ZSWIM6-related condition. Last evaluated: 2022-11-02. Review status: no assertion criteria provided. Collection method: clinical testing. Allele origin: germline. Not counted in ClinVar's aggregate classification.
Comment: This variant is classified as benign based on ACMG/AMP sequence variant interpretation guidelines (Richards et al. 2015 PMID: 25741868, with internal and published modifications).

NM_020928.2(ZSWIM6):c.71_100del (p.Gly24_Gly33del)

Gene: ZSWIM6 (zinc finger SWIM-type containing 6; plus strand). Cytogenetic location: 5q12.1.
Variant type: Deletion.
Coding change: c.71_100del on transcript NM_020928.2 (MANE Select); coding-DNA positions 71 to 100, 30 bases deleted (GCGGGGGCAGCAGCGGCGGCGGCGGCGGCG).
Protein change: p.Gly24_Gly33del.
Molecular consequence: inframe deletion.
Genome position (GRCh38, 1-based): chr5:61,332,343-61,332,372, GCGGGGGCAGCAGCGGCGGCGGCGGCGGCG deleted; deleting any 30 consecutive bases within chr5:61,332,327-61,332,372 gives the same sequence; the c. name uses the placement nearest the transcript's 3' end. VCF-style (leftmost placement, unchanged base first): chr5-61332326-GGGCGGCGGCGGCGGCGGCGGGGGCAGCAGC-G. GRCh37 (hg19) VCF-style: chr5-60628153-GGGCGGCGGCGGCGGCGGCGGGGGCAGCAGC-G.
Other names: c.71_100del30 (NM_020928.1).
Identifiers: ClinVar variation 1249694 (VCV001249694.13), dbSNP rs749694145, ClinGen allele CA3278276.